The following is an entry in ClinVar:

ClinVar aggregate classification (germline): Uncertain significance (1 of 4 stars; one submission).

Submission:

Labcorp Genetics (formerly Invitae), Labcorp
Classification: Uncertain significance. Last evaluated: 2025-09-24. Review status: criteria provided, single submitter. Criteria: Invitae Variant Classification Sherloc (09022015). Collection method: clinical testing. Allele origin: germline.
Comment: This sequence change replaces aspartic acid, which is acidic and polar, with histidine, which is basic and polar, at codon 614 of the CAPN5 protein (p.Asp614His). Information on the frequency of this variant in the gnomAD database is not available, as this variant may be reported differently in the database. This variant has not been reported in the literature in individuals affected with CAPN5-related conditions. Experimental studies and prediction algorithms are not available or were not evaluated, and the functional significance of this variant is currently unknown. In summary, the available evidence is currently insufficient to determine the role of this variant in disease. Therefore, it has been classified as a Variant of Uncertain Significance.

NM_004055.5(CAPN5):c.1839_1840delinsAC (p.Asp614His)

Gene: CAPN5 (calpain 5; plus strand). Cytogenetic location: 11q13.5.
Variant type: Indel.
Coding change: c.1839_1840delinsAC on transcript NM_004055.5 (MANE Select); coding-DNA positions 1839 to 1840, GG replaced by AC.
Protein change: p.Asp614His; replaces aspartic acid 614 with histidine.
Molecular consequence: missense variant. On other transcripts: non-coding transcript variant (1).
Genome position (GRCh38, 1-based): chr11:77,123,786-77,123,787, GG replaced by AC. VCF-style: chr11-77123786-GG-AC. GRCh37 (hg19) VCF-style: chr11-76834832-GG-AC.
Other names: c.1959_1960delinsAC, p.Asp654His (NM_001425321.1); c.1839_1840delinsAC, p.Asp614His (NM_001425322.1); c.1707_1708delinsAC, p.Asp570His (NM_001425323.1); short protein forms D570H, D654H, D614H.
Identifiers: ClinVar variation 4776311 (VCV004776311.1).